The following is an entry in ClinVar:

NM_001330260.2(SCN8A):c.1343C>T (p.Ala448Val)

Gene: SCN8A (sodium voltage-gated channel alpha subunit 8; plus strand). Cytogenetic location: 12q13.13.
Variant type: single nucleotide variant.
Coding change: c.1343C>T on transcript NM_001330260.2 (MANE Select); coding-DNA position 1343, C replaced by T.
Protein change: p.Ala448Val; replaces alanine 448 with valine.
Molecular consequence: missense variant.
Genome position (GRCh38, 1-based): chr12:51,706,423, C>T. VCF-style: chr12-51706423-C-T. GRCh37 (hg19) VCF-style: chr12-52100207-C-T.
Other names: c.1343C>T, p.Ala448Val (NM_001177984.3, NM_001369788.1, NM_014191.4); short protein forms A448V.
Identifiers: ClinVar variation 3621383 (VCV003621383.3).

ClinVar aggregate classification (germline): Uncertain significance. Review status: criteria provided, multiple submitters, no conflicts (2 of 4 stars). 2 submissions from 2 submitters: Uncertain significance (2). Last evaluated 2025-01-17.

Conditions:
Early-infantile DEE. Also called: Early infantile epileptic encephalopathy; Ohtahara syndrome; Early infantile epileptic encephalopathy with suppression bursts. Identifiers: Orphanet 1934, MedGen C0393706, MONDO:0800491.

gnomAD v4.1: 1 of 1,573,732 alleles (0.000064%); highest among the groups gnomAD compares: East Asian, 0.0023%; no homozygotes.

Submissions (2):

Labcorp Genetics (formerly Invitae), Labcorp
Classification: Uncertain significance for Early-infantile DEE. Last evaluated: 2025-01-17. Review status: criteria provided, single submitter. Criteria: Invitae Variant Classification Sherloc (09022015). Collection method: clinical testing. Allele origin: germline.
Comment: This sequence change replaces alanine, which is neutral and non-polar, with valine, which is neutral and non-polar, at codon 448 of the SCN8A protein (p.Ala448Val). This variant is not present in population databases (gnomAD no frequency). This variant has not been reported in the literature in individuals affected with SCN8A-related conditions. An algorithm developed to predict the effect of missense changes on protein structure and function (PolyPhen-2) suggests that this variant is likely to be tolerated. In summary, the available evidence is currently insufficient to determine the role of this variant in disease. Therefore, it has been classified as a Variant of Uncertain Significance.

Blueprint Genetics
Classification: Uncertain significance. Last evaluated: 2024-05-13. Review status: criteria provided, single submitter. Criteria: ACMG Guidelines, 2015. Collection method: clinical testing. Allele origin: germline.